The following is an entry in ClinVar:

NM_177987.3(TUBB8):c.762C>G (p.Ala254=)

Gene: TUBB8 (tubulin beta 8 class VIII; minus strand). Cytogenetic location: 10p15.3.
Variant type: single nucleotide variant.
Coding change: c.762C>G on transcript NM_177987.3 (MANE Select); coding-DNA position 762, C replaced by G.
Protein change: p.Ala254=; no amino-acid change (alanine 254 retained).
Molecular consequence: synonymous variant.
Genome position (GRCh38, 1-based): chr10:47,630, G>C on the plus strand (C>G on the coding strand, the complement: TUBB8 is on the minus strand). VCF-style: chr10-47630-G-C. GRCh37 (hg19) VCF-style: chr10-93570-G-C.
Other names: c.546C>G, p.Ala182= (NM_001389618.1, NM_001389619.1).
Identifiers: ClinVar variation 1879128 (VCV001879128.29), dbSNP rs41288741, ClinGen allele CA5378399.

ClinVar aggregate classification (germline): Likely benign (1 of 4 stars; one submission).

Allele frequency attached by ClinVar (database versions not stated): 1000 Genomes Project 30x 0.00265; 1000 Genomes Project 0.00280; gnomAD exomes 0.00735.
gnomAD v4.1: 11,576 of 1,610,566 alleles (0.72%); highest among the groups gnomAD compares: Middle Eastern, 0.95%; 33 homozygotes.

Submission:

CeGaT Center for Human Genetics Tuebingen
Classification: Likely benign. Last evaluated: 2026-08-01. Review status: criteria provided, single submitter. Criteria: CeGaT Center For Human Genetics Tuebingen Variant Classification Criteria Version 2. Collection method: clinical testing. Allele origin: germline. Affected: yes. Observed: 8 variant alleles.
Comment: TUBB8: BP4, BS2